The following is an entry in ClinVar:

NM_001375567.1(FOCAD):c.3783A>C (p.Arg1261Ser)

Gene: FOCAD (focadhesin; plus strand). Cytogenetic location: 9p21.3.
Variant type: single nucleotide variant.
Coding change: c.3783A>C on transcript NM_001375567.1 (MANE Select); coding-DNA position 3783, A replaced by C.
Protein change: p.Arg1261Ser; replaces arginine 1261 with serine.
Molecular consequence: missense variant.
Genome position (GRCh38, 1-based): chr9:20,948,378, A>C. VCF-style: chr9-20948378-A-C. GRCh37 (hg19) VCF-style: chr9-20948377-A-C.
Other names: c.3678A>C, p.Arg1226Ser (NM_001375568.1, NM_001375570.1); c.3783A>C, p.Arg1261Ser (NM_017794.5); short protein forms R1226S, R1261S.
Identifiers: ClinVar variation 4730552 (VCV004730552.1).

ClinVar aggregate classification (germline): Uncertain significance (1 of 4 stars; one submission).

Submission:

Labcorp Genetics (formerly Invitae), Labcorp
Classification: Uncertain significance. Last evaluated: 2025-11-05. Review status: criteria provided, single submitter. Criteria: Invitae Variant Classification Sherloc (09022015). Collection method: clinical testing. Allele origin: germline.
Comment: This sequence change replaces arginine, which is basic and polar, with serine, which is neutral and polar, at codon 1261 of the FOCAD protein (p.Arg1261Ser). This variant is not present in population databases (gnomAD no frequency). This variant has not been reported in the literature in individuals affected with FOCAD-related conditions. Experimental studies and prediction algorithms are not available or were not evaluated, and the functional significance of this variant is currently unknown. In summary, the available evidence is currently insufficient to determine the role of this variant in disease. Therefore, it has been classified as a Variant of Uncertain Significance.